The following is an entry in ClinVar:

NM_001377.3(DYNC2H1):c.11977C>A (p.Pro3993Thr)

Gene: DYNC2H1 (dynein cytoplasmic 2 heavy chain 1; plus strand). Cytogenetic location: 11q22.3.
Variant type: single nucleotide variant.
Coding change: c.11977C>A on transcript NM_001377.3 (MANE Select); coding-DNA position 11977, C replaced by A.
Protein change: p.Pro3993Thr; replaces proline 3993 with threonine.
Molecular consequence: missense variant.
Genome position (GRCh38, 1-based): chr11:103,323,928, C>A. VCF-style: chr11-103323928-C-A. GRCh37 (hg19) VCF-style: chr11-103194656-C-A.
Other names: c.11998C>A, p.Pro4000Thr (NM_001080463.2); short protein forms P3993T, P4000T.
Identifiers: ClinVar variation 1320481 (VCV001320481.3), dbSNP rs1275865339, ClinGen allele CA382270880.
Genomic context (GRCh38, chr11:103,323,928, plus strand): 5'-TCACTTCTTTATATTTAGGACTATCGTGCTGTCATTGAGAAAATTCCAGAGGACGACAAA[C>A]CTAGTTTCTTTGGTCTGCCTGCCAATATCGCTCGCTCATCTCAGCGCATGATCAGTTCTC-3'
Protein context (NP_001368.2, residues 3983-4003): VIEKIPEDDK[Pro3993Thr]SFFGLPANIA

ClinVar aggregate classification (germline): Uncertain significance. Review status: criteria provided, multiple submitters, no conflicts (2 of 4 stars). 2 submissions from 2 submitters: Uncertain significance (2). Last evaluated 2025-08-28.

Conditions:
Inborn genetic diseases. Identifiers: MedGen C0950123, MeSH D030342.

gnomAD v4.1: 2 of 1,612,936 alleles (0.00012%); highest among the groups gnomAD compares: Admixed American, 0.0033%; no homozygotes.

Submissions (2):

Ambry Genetics
Classification: Uncertain significance for Inborn genetic diseases. Last evaluated: 2025-08-28. Review status: criteria provided, single submitter. Criteria: Ambry Variant Classification Scheme 2023. Collection method: clinical testing. Allele origin: germline.

GeneDx
Classification: Uncertain significance. Last evaluated: 2019-12-06. Review status: criteria provided, single submitter. Criteria: GeneDx Variant Classification Process June 2021. Collection method: clinical testing. Allele origin: germline. Affected: yes.
Comment: In silico analysis, which includes protein predictors and evolutionary conservation, supports a deleterious effect; Has not been previously published as pathogenic or benign to our knowledge